The following is an entry in ClinVar:

NM_033100.4(CDHR1):c.872G>A (p.Gly291Glu)

Gene: CDHR1 (cadherin related family member 1; plus strand). Cytogenetic location: 10q23.1.
Variant type: single nucleotide variant.
Coding change: c.872G>A on transcript NM_033100.4 (MANE Select); coding-DNA position 872, G replaced by A.
Protein change: p.Gly291Glu; replaces glycine 291 with glutamic acid.
Molecular consequence: missense variant.
Genome position (GRCh38, 1-based): chr10:84,205,836, G>A. VCF-style: chr10-84205836-G-A. GRCh37 (hg19) VCF-style: chr10-85965592-G-A.
Other names: c.872G>A, p.Gly291Glu (NM_001171971.3); short protein forms G291E.
Identifiers: ClinVar variation 1716608 (VCV001716608.5), dbSNP rs750110504, ClinGen allele CA377373723.
Genomic context (GRCh38, chr10:84,205,836, plus strand): 5'-GCGCCTCCCTGTGGTCCTGTGCAGAACTTCAGGGTGCATCTCCCTTGACAGGGAACGATG[G>A]AGCCTTTGAAATTAATGAGACATCTGGAGCCATCTCCATCACTCAGAGCCCGGCCCAGCT-3'
Protein context (NP_149091.1, residues 281-301): ILYSLVNGND[Gly291Glu]AFEINETSGA

ClinVar aggregate classification (germline): Uncertain significance (1 of 4 stars; one submission).

Submission:

Labcorp Genetics (formerly Invitae), Labcorp
Classification: Uncertain significance. Last evaluated: 2025-09-02. Review status: criteria provided, single submitter. Criteria: Invitae Variant Classification Sherloc (09022015). Collection method: clinical testing. Allele origin: germline.
Comment: This sequence change replaces glycine, which is neutral and non-polar, with glutamic acid, which is acidic and polar, at codon 291 of the CDHR1 protein (p.Gly291Glu). This variant is not present in population databases (gnomAD no frequency). This variant has not been reported in the literature in individuals affected with CDHR1-related conditions. ClinVar contains an entry for this variant (Variation ID: 1716608). Invitae Evidence Modeling of protein sequence and biophysical properties (such as structural, functional, and spatial information, amino acid conservation, physicochemical variation, residue mobility, and thermodynamic stability) indicates that this missense variant is not expected to disrupt CDHR1 protein function with a negative predictive value of 80%. In summary, the available evidence is currently insufficient to determine the role of this variant in disease. Therefore, it has been classified as a Variant of Uncertain Significance.